The following is an entry in ClinVar:

ClinVar aggregate classification (germline): Uncertain significance (1 of 4 stars; one submission).

Conditions:
Hereditary cancer-predisposing syndrome. Also called: Hereditary neoplastic syndrome; Neoplastic Syndromes, Hereditary; Tumor predisposition; Hereditary Cancer Syndrome. Identifiers: Orphanet 140162, MedGen C0027672, MeSH D009386, MONDO:0015356.

Submission:

Ambry Genetics
Classification: Uncertain significance for Hereditary cancer-predisposing syndrome. Last evaluated: 2025-07-04. Review status: criteria provided, single submitter. Criteria: Ambry Variant Classification Scheme 2023. Collection method: clinical testing. Allele origin: germline.
Comment: The p.Q298R variant (also known as c.893A>G), located in coding exon 10 of the NF2 gene, results from an A to G substitution at nucleotide position 893. The glutamine at codon 298 is replaced by arginine, an amino acid with highly similar properties. This amino acid position is conserved. In addition, this alteration is predicted to be deleterious by in silico analysis. Based on the available evidence, the clinical significance of this variant remains unclear.

NM_000268.4(NF2):c.893A>G (p.Gln298Arg)

Gene: NF2 (NF2, moesin-ezrin-radixin like (MERLIN) tumor suppressor; plus strand). Cytogenetic location: 22q12.2.
Variant type: single nucleotide variant.
Coding change: c.893A>G on transcript NM_000268.4 (MANE Select); coding-DNA position 893, A replaced by G.
Protein change: p.Gln298Arg; replaces glutamine 298 with arginine.
Molecular consequence: missense variant. On other transcripts: non-coding transcript variant (1), intron variant (1).
Genome position (GRCh38, 1-based): chr22:29,668,340, A>G. VCF-style: chr22-29668340-A-G. GRCh37 (hg19) VCF-style: chr22-30064329-A-G.
Other names: c.779A>G, p.Gln260Arg (NM_001407053.1, NM_001407056.1); c.770A>G, p.Gln257Arg (NM_001407054.1, NM_001407058.1, NM_181829.3); c.767A>G, p.Gln256Arg (NM_001407055.1, NM_181828.3); c.758A>G, p.Gln253Arg (NM_001407057.1, NM_001407059.1); c.644A>G, p.Gln215Arg (NM_181830.3, NM_181831.3, NM_001407063.1 and 1 more transcripts); c.893A>G, p.Gln298Arg (NM_181832.3, NM_001407060.1, NM_001407066.1 and 2 more transcripts); c.447+26055A>G (NM_181833.3); c.635A>G, p.Gln212Arg (NM_001407062.1); and 2 more; short protein forms Q212R, Q253R, Q260R, Q120R, Q257R, Q215R, Q221R, Q256R.
Identifiers: ClinVar variation 4119208 (VCV004119208.1).